The following is an entry in ClinVar:

ClinVar aggregate classification (germline): Conflicting classifications of pathogenicity. Review status: criteria provided, conflicting classifications (1 of 4 stars). 2 submissions from 2 submitters: Uncertain significance (1); Likely benign (1). Last evaluated 2024-11-05.

Conditions:
Congenital disorder of deglycosylation (CDDG). Identifiers: MedGen C3808991, MONDO:0031376.

Allele frequency attached by ClinVar (database versions not stated): gnomAD below 0.00001 and 0.00003; gnomAD exomes 0.00004 and 0.00010; ExAC 0.00012; 1000 Genomes Project 30x 0.00016; 1000 Genomes Project 0.00020.
gnomAD v4.1: 65 of 1,613,808 alleles (0.004%); highest among the groups gnomAD compares: South Asian, 0.069%; no homozygotes.

Submissions (2):

Labcorp Genetics (formerly Invitae), Labcorp
Classification: Uncertain significance for Congenital disorder of deglycosylation. Last evaluated: 2024-11-05. Review status: criteria provided, single submitter. Criteria: Invitae Variant Classification Sherloc (09022015). Collection method: clinical testing. Allele origin: germline.
Comment: This sequence change replaces histidine, which is basic and polar, with tyrosine, which is neutral and polar, at codon 640 of the NGLY1 protein (p.His640Tyr). This variant is present in population databases (rs529998714, gnomAD 0.09%). This variant has not been reported in the literature in individuals affected with NGLY1-related conditions. ClinVar contains an entry for this variant (Variation ID: 474221). Invitae Evidence Modeling of protein sequence and biophysical properties (such as structural, functional, and spatial information, amino acid conservation, physicochemical variation, residue mobility, and thermodynamic stability) indicates that this missense variant is not expected to disrupt NGLY1 protein function with a negative predictive value of 80%. In summary, the available evidence is currently insufficient to determine the role of this variant in disease. Therefore, it has been classified as a Variant of Uncertain Significance.

GeneDx
Classification: Likely benign. Last evaluated: 2019-07-25. Review status: criteria provided, single submitter. Criteria: GeneDx Variant Classification Process June 2021. Collection method: clinical testing. Allele origin: germline. Affected: yes.
Comment: In silico analysis, which includes protein predictors and evolutionary conservation, supports that this variant does not alter protein structure/function; Has not been previously published as pathogenic or benign to our knowledge

NM_018297.4(NGLY1):c.1918C>T (p.His640Tyr)

Gene: NGLY1 (N-glycanase 1; minus strand). Cytogenetic location: 3p24.2.
Variant type: single nucleotide variant.
Coding change: c.1918C>T on transcript NM_018297.4 (MANE Select); coding-DNA position 1918, C replaced by T.
Protein change: p.His640Tyr; replaces histidine 640 with tyrosine.
Molecular consequence: missense variant. On other transcripts: 3 prime UTR variant (1).
Genome position (GRCh38, 1-based): chr3:25,719,507, G>A on the plus strand (C>T on the coding strand, the complement: NGLY1 is on the minus strand). VCF-style: chr3-25719507-G-A. GRCh37 (hg19) VCF-style: chr3-25760998-G-A.
Other names: c.1864C>T, p.His622Tyr (NM_001145293.2); c.1792C>T, p.His598Tyr (NM_001145294.2); c.*63C>T (NM_001145295.2); short protein forms H598Y, H640Y, H622Y.
Identifiers: ClinVar variation 474221 (VCV000474221.9), dbSNP rs529998714, ClinGen allele CA2289030.